The following is an entry in ClinVar:

ClinVar aggregate classification (germline): Uncertain significance (1 of 4 stars; one submission).

Submission:

CeGaT Center for Human Genetics Tuebingen
Classification: Uncertain significance. Last evaluated: 2026-04-01. Review status: criteria provided, single submitter. Criteria: CeGaT Center For Human Genetics Tuebingen Variant Classification Criteria Version 2. Collection method: clinical testing. Allele origin: germline. Affected: yes. Observed: 1 variant allele.
Comment: ZSWIM6: PM2, PS2:Supporting

NM_020928.2(ZSWIM6):c.3238C>T (p.His1080Tyr)

Gene: ZSWIM6 (zinc finger SWIM-type containing 6; plus strand). Cytogenetic location: 5q12.1.
Variant type: single nucleotide variant.
Coding change: c.3238C>T on transcript NM_020928.2 (MANE Select); coding-DNA position 3238, C replaced by T.
Protein change: p.His1080Tyr; replaces histidine 1080 with tyrosine.
Molecular consequence: missense variant.
Genome position (GRCh38, 1-based): chr5:61,543,907, C>T. VCF-style: chr5-61543907-C-T. GRCh37 (hg19) VCF-style: chr5-60839734-C-T.
Other names: short protein forms H1080Y.
Identifiers: ClinVar variation 4874466 (VCV004874466.2).